The following is an entry in ClinVar:

ClinVar aggregate classification (germline): Benign. Review status: criteria provided, multiple submitters, no conflicts (2 of 4 stars). 5 submissions from 5 submitters: Benign (4). 1 of the submissions does not count toward it. Last evaluated 2021-09-05.

Conditions:
NUP188-related disorder. Also called: NUP188-related condition.
Sandestig-stefanova syndrome. Identifiers: MedGen C5394118, MONDO:0032926, OMIM 618804.

Allele frequency attached by ClinVar (database versions not stated): gnomAD exomes 0.14177; ExAC 0.15003; ESP Exome Variant Server 0.17100; gnomAD 0.17264 and 0.17485; TOPMed 0.17795; 1000 Genomes Project 0.24441; 1000 Genomes Project 30x 0.24844.
gnomAD v4.1: 186,149 of 1,612,086 alleles (12%); highest among the groups gnomAD compares: African/African-American, 34%; 14,930 homozygotes.

Submissions (5):

Genome-Nilou Lab
Classification: Benign for Sandestig-stefanova syndrome. Last evaluated: 2021-09-05. Review status: criteria provided, single submitter. Criteria: ACMG Guidelines, 2015. Collection method: clinical testing. Allele origin: germline. Affected: no.

GeneDx
Classification: Benign. Last evaluated: 2020-02-25. Review status: criteria provided, single submitter. Criteria: GeneDx Variant Classification Process June 2021. Collection method: clinical testing. Allele origin: germline. Affected: yes.

Laboratory for Molecular Medicine, Mass General Brigham Personalized Medicine
Classification: Benign. Last evaluated: 2016-03-29. Review status: criteria provided, single submitter. Criteria: LMM Criteria. Collection method: clinical testing. Allele origin: germline.
Comment: Variant identified in a genome or exome case(s) and assessed due to predicted null impact of the variant or pathogenic assertions in the literature or databases. Disclaimer: This variant has not undergone full assessment. The following are preliminary notes: Frequency

Breakthrough Genomics
Classification: Benign. Review status: criteria provided, single submitter. Criteria: ACMG Guidelines, 2015. Collection method: not provided. Allele origin: germline. Inheritance: Autosomal recessive inheritance. Affected: yes.

PreventionGenetics, part of Exact Sciences
Classification: Benign for NUP188-related condition. Last evaluated: 2019-11-14. Review status: no assertion criteria provided. Collection method: clinical testing. Allele origin: germline. Not counted in ClinVar's aggregate classification.
Comment: This variant is classified as benign based on ACMG/AMP sequence variant interpretation guidelines (Richards et al. 2015 PMID: 25741868, with internal and published modifications).

NM_015354.3(NUP188):c.4044+6A>C

Gene: NUP188 (nucleoporin 188; plus strand). Cytogenetic location: 9q34.11.
Variant type: single nucleotide variant.
Coding change: c.4044+6A>C on transcript NM_015354.3 (MANE Select); 6 bases into the intron after coding-DNA position 4044, A replaced by C.
Molecular consequence: intron variant.
Genome position (GRCh38, 1-based): chr9:129,001,735, A>C. VCF-style: chr9-129001735-A-C. GRCh37 (hg19) VCF-style: chr9-131764014-A-C.
Identifiers: ClinVar variation 403265 (VCV000403265.12), dbSNP rs12336276, ClinGen allele CA5273163.